The following is an entry in ClinVar:

NM_001009944.3(PKD1):c.1335A>G (p.Ala445=)

Gene: PKD1 (polycystin 1, transient receptor potential channel interacting; minus strand). Cytogenetic location: 16p13.3.
Variant type: single nucleotide variant.
Coding change: c.1335A>G on transcript NM_001009944.3 (MANE Select); coding-DNA position 1335, A replaced by G.
Protein change: p.Ala445=; no amino-acid change (alanine 445 retained).
Molecular consequence: synonymous variant.
Genome position (GRCh38, 1-based): chr16:2,117,539, T>C on the plus strand (A>G on the coding strand, the complement: PKD1 is on the minus strand). VCF-style: chr16-2117539-T-C. GRCh37 (hg19) VCF-style: chr16-2167540-T-C.
Other names: p.Ala445=; c.1335A>G, p.Ala445= (NM_000296.4).
Identifiers: ClinVar variation 3037520 (VCV003037520.3), dbSNP rs373620484, ClinGen allele CA7833540.
Genomic context (GRCh38, chr16:2,117,539, plus strand): 5'-GGGCAGGCACCTGGTGACCCGGGAGACCAGGAAGCGCTGCACGGCGGGACTGTCCACCAT[T>C]GCCAGGGCGGCCCCGGCCCAGGCCTGACACTGCTCCTGCGCCTGCAGCCAGGCCGCCTTC-3'
Protein context (NP_001009944.3, residues 435-455): QCQAWAGAAL[Ala445=]MVDSPAVQRF

ClinVar aggregate classification (germline): Likely benign. Review status: criteria provided, single submitter (1 of 4 stars). 2 submissions from 2 submitters: Likely benign (1). 1 of the submissions does not count toward it. Last evaluated 2025-06-12.

Conditions:
PKD1-related disorder. Also called: PKD1-related condition.

Allele frequency attached by ClinVar (database versions not stated): ESP Exome Variant Server 0.00024; gnomAD 0.00040; gnomAD exomes 0.00005; ExAC 0.00030; 1000 Genomes Project 30x 0.00031; TOPMed 0.00053; 1000 Genomes Project 0.00020.
gnomAD v4.1: 142 of 1,597,044 alleles (0.0089%); highest among the groups gnomAD compares: African/African-American, 0.15%; no homozygotes.

Submissions (2):

Mayo Clinic Laboratories, Mayo Clinic
Classification: Likely benign. Last evaluated: 2025-06-12. Review status: criteria provided, single submitter. Criteria: ACMG Guidelines, 2015. Collection method: clinical testing. Allele origin: germline. Observed: 4 variant alleles.
Comment: BS1, BP4, BP7

PreventionGenetics, part of Exact Sciences
Classification: Likely benign for PKD1-related condition. Last evaluated: 2019-05-15. Review status: no assertion criteria provided. Collection method: clinical testing. Allele origin: germline. Not counted in ClinVar's aggregate classification.
Comment: This variant is classified as likely benign based on ACMG/AMP sequence variant interpretation guidelines (Richards et al. 2015 PMID: 25741868, with internal and published modifications).